The following is an entry in ClinVar:

NM_001378.3(DYNC1I2):c.512-3C>A

Gene: DYNC1I2 (dynein cytoplasmic 1 intermediate chain 2; plus strand). Cytogenetic location: 2q31.1.
Variant type: single nucleotide variant.
Coding change: c.512-3C>A on transcript NM_001378.3 (MANE Select); 3 bases into the intron before coding-DNA position 512, C replaced by A.
Molecular consequence: intron variant.
Genome position (GRCh38, 1-based): chr2:171,725,615, C>A. VCF-style: chr2-171725615-C-A. GRCh37 (hg19) VCF-style: chr2-172582125-C-A.
Other names: c.488-3C>A (NM_001271786.2, NM_001271787.2); c.494-3C>A (NM_001320882.2, NM_001378455.1, NM_001320883.2 and 1 more transcripts); c.434-3C>A (NM_001271788.2, NM_001271790.2, NM_001271789.2 and 1 more transcripts); c.512-3C>A (NM_001271785.2).
Identifiers: ClinVar variation 3055403 (VCV003055403.2), dbSNP rs756992961, ClinGen allele CA537708569.

ClinVar aggregate classification (germline): Likely benign (0 of 4 stars; one submission).

Conditions:
DYNC1I2-related disorder. Also called: DYNC1I2-related condition.

Submission:

PreventionGenetics, part of Exact Sciences
Classification: Likely benign for DYNC1I2-related condition. Last evaluated: 2019-12-06. Review status: no assertion criteria provided. Collection method: clinical testing. Allele origin: germline.
Comment: This variant is classified as likely benign based on ACMG/AMP sequence variant interpretation guidelines (Richards et al. 2015 PMID: 25741868, with internal and published modifications).